The following is an entry in ClinVar:

NM_022437.3(ABCG8):c.295C>T (p.Gln99Ter)

Gene: ABCG8 (ATP binding cassette subfamily G member 8; plus strand). Cytogenetic location: 2p21.
Variant type: single nucleotide variant.
Coding change: c.295C>T on transcript NM_022437.3 (MANE Select); coding-DNA position 295, C replaced by T.
Protein change: p.Gln99Ter; replaces glutamine 99 with a stop codon.
Molecular consequence: nonsense.
Genome position (GRCh38, 1-based): chr2:43,846,284, C>T. VCF-style: chr2-43846284-C-T. GRCh37 (hg19) VCF-style: chr2-44073423-C-T.
Other names: c.295C>T, p.Gln99Ter (NM_001357321.2); short protein forms Q99*.
Identifiers: ClinVar variation 2636943 (VCV002636943.1), dbSNP rs1426776095, ClinGen allele CA346663656.

ClinVar aggregate classification (germline): Likely pathogenic (1 of 4 stars; one submission).

Conditions:
ABCG8-related disorder. Also called: ABCG8-related condition.

Submission:

PreventionGenetics, part of Exact Sciences
Classification: Likely pathogenic for ABCG8-related condition. Last evaluated: 2022-10-14. Review status: criteria provided, single submitter. Criteria: ACMG Guidelines, 2015. Collection method: clinical testing. Allele origin: germline.
Comment: The ABCG8 c.295C>T variant is predicted to result in premature protein termination (p.Gln99*). To our knowledge, this variant has not been reported in the literature or in a large population database, indicating this variant is rare. Nonsense variants in ABCG8 are expected to be pathogenic. This variant is interpreted as likely pathogenic.